The following is an entry in ClinVar:

ClinVar aggregate classification (germline): Uncertain significance (1 of 4 stars; one submission).

Conditions:
Mitochondrial DNA depletion syndrome 13. Also called: FBXL4-Related Encephalomyopathic Mitochondrial DNA Depletion Syndrome; Mitochondrial DNA depletion syndrome 13 (encephalomyopathic type). Identifiers: Orphanet 369897, MedGen C3809592, MONDO:0014198, OMIM 615471.

Allele frequency attached by ClinVar (database versions not stated): gnomAD exomes below 0.00001; ExAC 0.00001.
gnomAD v4.1: 4 of 1,614,036 alleles (0.00025%); highest among the groups gnomAD compares: Non-Finnish European, 0.00025%; no homozygotes.

Submission:

Wong Mito Lab, Molecular and Human Genetics, Baylor College of Medicine
Classification: Uncertain significance for Mitochondrial DNA depletion syndrome 13. Last evaluated: 2017-08-10. Review status: criteria provided, single submitter. Criteria: ACMG Guidelines, 2015. Collection method: reference population. Allele origin: germline.
Comment: The NM_012160.4:c.634T>G (NP_036292.2:p.Ser212Ala) [GRCH38: NC_000006.12:g.98917598A>C] variant in FBXL4 gene is interpretated to be a Uncertain Significance - Conflicting Evidence based on ACMG guidelines (PMID: 25741868). This variant meets one or more of the following evidence codes reported in the ACMG-guideline. PM2:This variant is absent in key population databases. BP4:Computational evidence/predictors indicate no impact on the FBXL4 structure, function, or protein-protein interaction. Based on this evidence code ClinGen Pathogenicity Calculator (PMID:28081714) suggested that the variant is Uncertain Significance - Conflicting Evidence.

NM_001278716.2(FBXL4):c.634T>G (p.Ser212Ala)

Gene: FBXL4 (F-box and leucine rich repeat protein 4; minus strand). Cytogenetic location: 6q16.2.
Variant type: single nucleotide variant.
Coding change: c.634T>G on transcript NM_001278716.2 (MANE Select); coding-DNA position 634, T replaced by G.
Protein change: p.Ser212Ala; replaces serine 212 with alanine.
Molecular consequence: missense variant.
Genome position (GRCh38, 1-based): chr6:98,917,598, A>C on the plus strand (T>G on the coding strand, the complement: FBXL4 is on the minus strand). VCF-style: chr6-98917598-A-C. GRCh37 (hg19) VCF-style: chr6-99365474-A-C.
Other names: c.634T>G, p.Ser212Ala (NM_012160.5); short protein forms S212A.
Identifiers: ClinVar variation 437606 (VCV000437606.1), dbSNP rs772085661, ClinGen allele CA3933647.